The following is an entry in ClinVar:

ClinVar aggregate classification (germline): Uncertain significance (1 of 4 stars; one submission).

Conditions:
Hereditary cancer-predisposing syndrome. Also called: Neoplastic Syndromes, Hereditary; Hereditary neoplastic syndrome; Tumor predisposition; Hereditary Cancer Syndrome. Identifiers: Orphanet 140162, MedGen C0027672, MeSH D009386, MONDO:0015356.

Submission:

Ambry Genetics
Classification: Uncertain significance for Hereditary cancer-predisposing syndrome. Last evaluated: 2022-11-27. Review status: criteria provided, single submitter. Criteria: Ambry Variant Classification Scheme 2023. Collection method: clinical testing. Allele origin: germline.
Comment: The p.D142Y variant (also known as c.424G>T), located in coding exon 3 of the PDGFRA gene, results from a G to T substitution at nucleotide position 424. The aspartic acid at codon 142 is replaced by tyrosine, an amino acid with highly dissimilar properties. This amino acid position is conserved. In addition, this alteration is predicted to be tolerated by in silico analysis. Since supporting evidence is limited at this time, the clinical significance of this alteration remains unclear.

NM_006206.6(PDGFRA):c.424G>T (p.Asp142Tyr)

Gene: PDGFRA (platelet derived growth factor receptor alpha; plus strand). Cytogenetic location: 4q12.
Variant type: single nucleotide variant.
Coding change: c.424G>T on transcript NM_006206.6 (MANE Select); coding-DNA position 424, G replaced by T.
Protein change: p.Asp142Tyr; replaces aspartic acid 142 with tyrosine.
Molecular consequence: missense variant.
Genome position (GRCh38, 1-based): chr4:54,263,723, G>T. VCF-style: chr4-54263723-G-T. GRCh37 (hg19) VCF-style: chr4-55129890-G-T.
Other names: c.424G>T, p.Asp142Tyr (NM_001347827.2, NM_001347829.2); c.499G>T, p.Asp167Tyr (NM_001347828.2); c.463G>T, p.Asp155Tyr (NM_001347830.2); short protein forms D142Y, D167Y, D155Y.
Identifiers: ClinVar variation 2453854 (VCV002453854.2), dbSNP rs1722875527, ClinGen allele CA356889785.